The following is an entry in ClinVar:

ClinVar aggregate classification (germline): Likely benign. Review status: criteria provided, multiple submitters, no conflicts (2 of 4 stars). 6 submissions from 6 submitters: Likely benign (5). 1 of the submissions does not count toward it. Last evaluated 2025-11-17.

Conditions:
HK1-related disorder. Also called: HK1-related condition; HK1-related disorders.

Allele frequency attached by ClinVar (database versions not stated): 1000 Genomes Project 30x 0.00016; 1000 Genomes Project 0.00020.
gnomAD v4.1: 58 of 1,613,664 alleles (0.0036%); highest among the groups gnomAD compares: Middle Eastern, 0.05%; 1 homozygote.

Submissions (6):

Labcorp Genetics (formerly Invitae), Labcorp
Classification: Likely benign. Last evaluated: 2025-11-17. Review status: criteria provided, single submitter. Criteria: Invitae Variant Classification Sherloc (09022015). Collection method: clinical testing. Allele origin: germline.

CeGaT Center for Human Genetics Tuebingen
Classification: Likely benign. Last evaluated: 2025-10-01. Review status: criteria provided, single submitter. Criteria: CeGaT Center For Human Genetics Tuebingen Variant Classification Criteria Version 2. Collection method: clinical testing. Allele origin: germline. Affected: yes. Observed: 5 variant alleles.
Comment: HK1: BP4, BP7

Mayo Clinic Laboratories, Mayo Clinic
Classification: Likely benign. Last evaluated: 2025-07-14. Review status: criteria provided, single submitter. Criteria: ACMG Guidelines, 2015. Collection method: clinical testing. Allele origin: germline. Observed: 1 variant allele.
Comment: BP4, BP7

Blueprint Genetics
Classification: Likely benign. Last evaluated: 2023-08-14. Review status: criteria provided, single submitter. Criteria: ACMG Guidelines, 2015. Collection method: clinical testing. Allele origin: germline.

ARUP Laboratories, Molecular Genetics and Genomics, ARUP Laboratories
Classification: Likely benign. Last evaluated: 2020-10-20. Review status: criteria provided, single submitter. Criteria: ARUP Molecular Germline Variant Investigation Process 2021. Collection method: clinical testing. Allele origin: germline.

PreventionGenetics, part of Exact Sciences
Classification: Likely benign for HK1-related condition. Last evaluated: 2023-09-27. Review status: no assertion criteria provided. Collection method: clinical testing. Allele origin: germline. Not counted in ClinVar's aggregate classification.
Comment: This variant is classified as likely benign based on ACMG/AMP sequence variant interpretation guidelines (Richards et al. 2015 PMID: 25741868, with internal and published modifications).

NM_000188.3(HK1):c.2370C>T (p.Ile790=)

Gene: HK1 (hexokinase 1; plus strand). Cytogenetic location: 10q22.1.
Variant type: single nucleotide variant.
Coding change: c.2370C>T on transcript NM_000188.3 (MANE Select); coding-DNA position 2370, C replaced by T.
Protein change: p.Ile790=; no amino-acid change (isoleucine 790 retained).
Molecular consequence: synonymous variant.
Genome position (GRCh38, 1-based): chr10:69,395,100, C>T. VCF-style: chr10-69395100-C-T. GRCh37 (hg19) VCF-style: chr10-71154856-C-T.
Other names: p.Ile790=; c.2370C>T (NM_000188.2); c.2382C>T, p.Ile794= (NM_001322364.2, NM_001358263.1, NM_033497.3 and 1 more transcripts); c.2475C>T, p.Ile825= (NM_001322365.2); c.2286C>T, p.Ile762= (NM_001322366.1); c.2274C>T, p.Ile758= (NM_001322367.1); c.2367C>T, p.Ile789= (NM_033496.3); c.2334C>T, p.Ile778= (NM_033500.2).
Identifiers: ClinVar variation 1108630 (VCV001108630.42), dbSNP rs150711083, ClinGen allele CA5532829.